The following is an entry in ClinVar:

NM_032888.4(COL27A1):c.5025C>A (p.Ser1675Arg)

Gene: COL27A1 (collagen type XXVII alpha 1 chain; plus strand). Cytogenetic location: 9q32.
Variant type: single nucleotide variant.
Coding change: c.5025C>A on transcript NM_032888.4 (MANE Select); coding-DNA position 5025, C replaced by A.
Protein change: p.Ser1675Arg; replaces serine 1675 with arginine.
Molecular consequence: missense variant.
Genome position (GRCh38, 1-based): chr9:114,306,606, C>A. VCF-style: chr9-114306606-C-A. GRCh37 (hg19) VCF-style: chr9-117068886-C-A.
Other names: short protein forms S1675R.
Identifiers: ClinVar variation 2181773 (VCV002181773.1), dbSNP rs763118517, ClinGen allele CA5203263.

ClinVar aggregate classification (germline): Uncertain significance (1 of 4 stars; one submission).

Allele frequency attached by ClinVar (database versions not stated): gnomAD 0.00001; ExAC 0.00002.
gnomAD v4.1: 5 of 1,614,008 alleles (0.00031%); highest among the groups gnomAD compares: Admixed American, 0.0067%; no homozygotes.

Submission:

Labcorp Genetics (formerly Invitae), Labcorp
Classification: Uncertain significance. Last evaluated: 2022-07-19. Review status: criteria provided, single submitter. Criteria: Invitae Variant Classification Sherloc (09022015). Collection method: clinical testing. Allele origin: germline.
Comment: This sequence change replaces serine, which is neutral and polar, with arginine, which is basic and polar, at codon 1675 of the COL27A1 protein (p.Ser1675Arg). This variant is present in population databases (rs763118517, gnomAD 0.01%). This variant has not been reported in the literature in individuals affected with COL27A1-related conditions. Advanced modeling of protein sequence and biophysical properties (such as structural, functional, and spatial information, amino acid conservation, physicochemical variation, residue mobility, and thermodynamic stability) performed at Invitae indicates that this missense variant is not expected to disrupt COL27A1 protein function. In summary, the available evidence is currently insufficient to determine the role of this variant in disease. Therefore, it has been classified as a Variant of Uncertain Significance.